The following is an entry in ClinVar:

ClinVar aggregate classification (germline): Uncertain significance. Review status: criteria provided, multiple submitters, no conflicts (2 of 4 stars). 2 submissions from 2 submitters: Uncertain significance (2). Last evaluated 2025-08-29.

Conditions:
Brugada syndrome 8 (BRGDA8). Identifiers: Orphanet 130, MedGen C2751083, MONDO:0013148, OMIM 613123.

Allele frequency attached by ClinVar (database versions not stated): gnomAD exomes below 0.00001.
gnomAD v4.1: 5 of 1,601,662 alleles (0.00031%); highest among the groups gnomAD compares: Non-Finnish European, 0.00042%; no homozygotes.

Submissions (2):

Labcorp Genetics (formerly Invitae), Labcorp
Classification: Uncertain significance for Brugada syndrome 8. Last evaluated: 2025-08-29. Review status: criteria provided, single submitter. Criteria: Invitae Variant Classification Sherloc (09022015). Collection method: clinical testing. Allele origin: germline.
Comment: This sequence change replaces proline, which is neutral and non-polar, with threonine, which is neutral and polar, at codon 834 of the HCN4 protein (p.Pro834Thr). The frequency data for this variant in the population databases is considered unreliable, as metrics indicate poor data quality at this position in the gnomAD database. This variant has not been reported in the literature in individuals affected with HCN4-related conditions. ClinVar contains an entry for this variant (Variation ID: 2900371). Invitae Evidence Modeling of protein sequence and biophysical properties (such as structural, functional, and spatial information, amino acid conservation, physicochemical variation, residue mobility, and thermodynamic stability) indicates that this missense variant is not expected to disrupt HCN4 protein function with a negative predictive value of 95%. In summary, the available evidence is currently insufficient to determine the role of this variant in disease. Therefore, it has been classified as a Variant of Uncertain Significance.

Blueprint Genetics
Classification: Uncertain significance. Last evaluated: 2021-03-23. Review status: criteria provided, single submitter. Criteria: ACMG Guidelines, 2015. Collection method: clinical testing. Allele origin: germline.

NM_005477.3(HCN4):c.2500C>A (p.Pro834Thr)

Gene: HCN4 (hyperpolarization activated cyclic nucleotide gated potassium channel 4; minus strand). Cytogenetic location: 15q24.1.
Variant type: single nucleotide variant.
Coding change: c.2500C>A on transcript NM_005477.3 (MANE Select); coding-DNA position 2500, C replaced by A.
Protein change: p.Pro834Thr; replaces proline 834 with threonine.
Molecular consequence: missense variant.
Genome position (GRCh38, 1-based): chr15:73,323,593, G>T on the plus strand (C>A on the coding strand, the complement: HCN4 is on the minus strand). VCF-style: chr15-73323593-G-T. GRCh37 (hg19) VCF-style: chr15-73615934-G-T.
Other names: short protein forms P834T.
Identifiers: ClinVar variation 2900371 (VCV002900371.3), dbSNP rs779148704, ClinGen allele CA393088774.